The following is an entry in ClinVar:

ClinVar aggregate classification (germline): Benign/Likely benign. Review status: criteria provided, multiple submitters, no conflicts (2 of 4 stars). 3 submissions from 3 submitters: Benign (1); Likely benign (1). 1 of the submissions does not count toward it. Last evaluated 2025-12-17.

Conditions:
SAMD11-related disorder. Also called: SAMD11-related condition.

Allele frequency attached by ClinVar (database versions not stated): gnomAD exomes 0.00022; ExAC 0.00025; gnomAD 0.00098 and 0.00104; ESP Exome Variant Server 0.00108; TOPMed 0.00116; 1000 Genomes Project 0.00120; 1000 Genomes Project 30x 0.00125.
gnomAD v4.1: 289 of 1,612,694 alleles (0.018%); highest among the groups gnomAD compares: African/African-American, 0.35%; 1 homozygote.

Submissions (3):

Labcorp Genetics (formerly Invitae), Labcorp
Classification: Benign. Last evaluated: 2025-12-17. Review status: criteria provided, single submitter. Criteria: Invitae Variant Classification Sherloc (09022015). Collection method: clinical testing. Allele origin: germline.

Blueprint Genetics
Classification: Likely benign. Last evaluated: 2023-09-27. Review status: criteria provided, single submitter. Criteria: ACMG Guidelines, 2015. Collection method: clinical testing. Allele origin: germline.

PreventionGenetics, part of Exact Sciences
Classification: Likely benign for SAMD11-related condition. Last evaluated: 2019-04-18. Review status: no assertion criteria provided. Collection method: clinical testing. Allele origin: germline. Not counted in ClinVar's aggregate classification.
Comment: This variant is classified as likely benign based on ACMG/AMP sequence variant interpretation guidelines (Richards et al. 2015 PMID: 25741868, with internal and published modifications).

NM_001385641.1(SAMD11):c.2328C>T (p.Ser776=)

Gene: SAMD11 (sterile alpha motif domain containing 11; plus strand). Cytogenetic location: 1p36.33.
Variant type: single nucleotide variant.
Coding change: c.2328C>T on transcript NM_001385641.1 (MANE Select); coding-DNA position 2328, C replaced by T.
Protein change: p.Ser776=; no amino-acid change (serine 776 retained).
Molecular consequence: synonymous variant.
Genome position (GRCh38, 1-based): chr1:943,946, C>T. VCF-style: chr1-943946-C-T. GRCh37 (hg19) VCF-style: chr1-879326-C-T.
Other names: c.2331C>T, p.Ser777= (NM_001385640.1); c.1839C>T, p.Ser613= (NM_152486.4); c.1839C>T (NM_152486.2).
Identifiers: ClinVar variation 1169808 (VCV001169808.12), dbSNP rs111371881, ClinGen allele CA503340.